The following is an entry in ClinVar:

NM_201384.3(PLEC):c.11539G>A (p.Val3847Met)

Gene: PLEC (plectin; minus strand). Cytogenetic location: 8q24.3.
Variant type: single nucleotide variant.
Coding change: c.11539G>A on transcript NM_201384.3 (MANE Select); coding-DNA position 11539, G replaced by A.
Protein change: p.Val3847Met; replaces valine 3847 with methionine.
Molecular consequence: missense variant.
Genome position (GRCh38, 1-based): chr8:143,918,282, C>T on the plus strand (G>A on the coding strand, the complement: PLEC is on the minus strand). VCF-style: chr8-143918282-C-T. GRCh37 (hg19) VCF-style: chr8-144992450-C-T.
Other names: c.11620G>A, p.Val3874Met (NM_000445.5); c.11497G>A, p.Val3833Met (NM_201378.4); c.11473G>A, p.Val3825Met (NM_201379.3); c.11950G>A, p.Val3984Met (NM_201380.4); c.11443G>A, p.Val3815Met (NM_201381.3); c.11539G>A, p.Val3847Met (NM_201382.4); c.11551G>A, p.Val3851Met (NM_201383.3); short protein forms V3815M, V3825M, V3833M, V3847M, V3851M, V3874M, V3984M.
Identifiers: ClinVar variation 386367 (VCV000386367.13), dbSNP rs201654895, ClinGen allele CA4924323.

ClinVar aggregate classification (germline): Conflicting classifications of pathogenicity. Review status: criteria provided, conflicting classifications (1 of 4 stars). 5 submissions from 5 submitters: Uncertain significance (1); Likely benign (4). Last evaluated 2025-11-17.

Conditions:
PLEC-related disorder. Also called: PLEC-related disorders; PLEC-related condition.
Autosomal recessive limb-girdle muscular dystrophy type 2Q (LGMDR17). Also called: MUSCULAR DYSTROPHY, LIMB-GIRDLE, AUTOSOMAL RECESSIVE 17. Identifiers: Orphanet 254361, MedGen C3150989, MONDO:0013390, OMIM 613723.
Epidermolysis bullosa simplex 5B, with muscular dystrophy (EBS5B). Also called: EPIDERMOLYSIS BULLOSA SIMPLEX AND LIMB-GIRDLE MUSCULAR DYSTROPHY; Epidermolysis bullosa simplex with muscular dystrophy. Identifiers: Orphanet 257, MedGen C2931072, MONDO:0009181, OMIM 226670.
Epidermolysis bullosa simplex with nail dystrophy (EBS5D). Identifiers: MedGen C4225309, MONDO:0014661, OMIM 616487.
Epidermolysis bullosa simplex, Ogna type (EBS5A). Also called: Pidermolysis bullosa simplex 5A, Ogna type; EPIDERMOLYSIS BULLOSA SIMPLEX 5A, OGNA TYPE. Identifiers: Orphanet 79401, MedGen C0432317, MONDO:0007555, OMIM 131950.
Epidermolysis bullosa simplex 5C, with pyloric atresia (EBS5C). Also called: PLEC1-Related Epidermolysis Bullosa with Pyloric Atresia; PLEC-Related Epidermolysis Bullosa with Pyloric Atresia; Epidermolysis bullosa simplex with pyloric atresia. Identifiers: Orphanet 158684, MedGen C2677349, MONDO:0012807, OMIM 612138.

Allele frequency attached by ClinVar (database versions not stated): gnomAD exomes 0.00005 and 0.00015; ExAC 0.00014; ESP Exome Variant Server 0.00024; gnomAD 0.00046 and 0.00051; TOPMed 0.00061; 1000 Genomes Project 30x 0.00062; 1000 Genomes Project 0.00080.
gnomAD v4.1: 156 of 1,592,876 alleles (0.0098%); highest among the groups gnomAD compares: African/African-American, 0.15%; no homozygotes.

Submissions (5):

Labcorp Genetics (formerly Invitae), Labcorp
Classification: Uncertain significance for Autosomal recessive limb-girdle muscular dystrophy type 2Q; Epidermolysis bullosa simplex, Ogna type; Epidermolysis bullosa simplex with nail dystrophy; Epidermolysis bullosa simplex 5C, with pyloric atresia; Epidermolysis bullosa simplex 5B, with muscular dystrophy. Last evaluated: 2025-11-17. Review status: criteria provided, single submitter. Criteria: Invitae Variant Classification Sherloc (09022015). Collection method: clinical testing. Allele origin: germline.
Comment: This sequence change replaces valine, which is neutral and non-polar, with methionine, which is neutral and non-polar, at codon 3874 of the PLEC protein (p.Val3874Met). This variant is present in population databases (rs201654895, gnomAD 0.1%). This variant has not been reported in the literature in individuals affected with PLEC-related conditions. ClinVar contains an entry for this variant (Variation ID: 386367). An algorithm developed to predict the effect of missense changes on protein structure and function outputs the following: PolyPhen-2: "Benign". The methionine amino acid residue is found in multiple mammalian species, which suggests that this missense change does not adversely affect protein function. In summary, the available evidence is currently insufficient to determine the role of this variant in disease. Therefore, it has been classified as a Variant of Uncertain Significance.

PreventionGenetics, part of Exact Sciences
Classification: Likely benign for PLEC-related condition. Last evaluated: 2025-08-20. Review status: criteria provided, single submitter. Criteria: ACMG Guidelines, 2015. Collection method: clinical testing. Allele origin: germline.
Comment: This variant is classified as likely benign based on ACMG/AMP sequence variant interpretation guidelines (Richards et al. 2015 PMID: 25741868, with internal and published modifications).

Revvity Omics, Revvity
Classification: Likely benign. Last evaluated: 2023-11-14. Review status: criteria provided, single submitter. Criteria: ACMG Guidelines, 2015. Collection method: clinical testing. Allele origin: germline.

Blueprint Genetics
Classification: Likely benign. Last evaluated: 2023-06-19. Review status: criteria provided, single submitter. Criteria: ACMG Guidelines, 2015. Collection method: clinical testing. Allele origin: germline.

GeneDx
Classification: Likely benign. Last evaluated: 2017-11-27. Review status: criteria provided, single submitter. Criteria: GeneDx Variant Classification (06012015). Collection method: clinical testing. Allele origin: germline. Affected: yes.
Comment: This variant is considered likely benign or benign based on one or more of the following criteria: it is a conservative change, it occurs at a poorly conserved position in the protein, it is predicted to be benign by multiple in silico algorithms, and/or has population frequency not consistent with disease.